The following is an entry in ClinVar:

ClinVar aggregate classification (germline): Uncertain significance (1 of 4 stars; one submission).

gnomAD v4.1: 6 of 1,613,664 alleles (0.00037%); highest among the groups gnomAD compares: South Asian, 0.0033%; no homozygotes.

Submission:

Labcorp Genetics (formerly Invitae), Labcorp
Classification: Uncertain significance. Last evaluated: 2025-02-19. Review status: criteria provided, single submitter. Criteria: Invitae Variant Classification Sherloc (09022015). Collection method: clinical testing. Allele origin: germline.
Comment: This sequence change replaces serine, which is neutral and polar, with phenylalanine, which is neutral and non-polar, at codon 871 of the SUCO protein (p.Ser871Phe). This variant is present in population databases (rs764052512, gnomAD 0.003%). This variant has not been reported in the literature in individuals affected with SUCO-related conditions. An algorithm developed to predict the effect of missense changes on protein structure and function (PolyPhen-2) suggests that this variant is likely to be disruptive. In summary, the available evidence is currently insufficient to determine the role of this variant in disease. Therefore, it has been classified as a Variant of Uncertain Significance.

NM_014283.5(SUCO):c.2612C>T (p.Ser871Phe)

Gene: SUCO (SUN domain containing ossification factor; plus strand). Cytogenetic location: 1q24.3.
Variant type: single nucleotide variant.
Coding change: c.2612C>T on transcript NM_014283.5 (MANE Select); coding-DNA position 2612, C replaced by T.
Protein change: p.Ser871Phe; replaces serine 871 with phenylalanine.
Molecular consequence: missense variant. On other transcripts: intron variant (1).
Genome position (GRCh38, 1-based): chr1:172,589,713, C>T. VCF-style: chr1-172589713-C-T. GRCh37 (hg19) VCF-style: chr1-172558853-C-T.
Other names: c.923C>T, p.Ser308Phe (NM_001282751.2); c.3065C>T, p.Ser1022Phe (NM_016227.4); c.1712+789C>T (NM_001282750.2); short protein forms S1022F, S308F, S871F.
Identifiers: ClinVar variation 3612236 (VCV003612236.2).